The following is an entry in ClinVar:

ClinVar aggregate classification (germline): Uncertain significance (1 of 4 stars; one submission).

gnomAD v4.1: 8 of 1,613,534 alleles (0.0005%); highest among the groups gnomAD compares: Non-Finnish European, 0.00068%; no homozygotes.

Submission:

GeneDx
Classification: Uncertain significance. Last evaluated: 2023-11-15. Review status: criteria provided, single submitter. Criteria: GeneDx Variant Classification Process June 2021. Collection method: clinical testing. Allele origin: germline. Affected: yes.
Comment: Not observed at significant frequency in large population cohorts (gnomAD); In silico analysis supports that this missense variant does not alter protein structure/function; Has not been previously published as pathogenic or benign to our knowledge

NM_001190737.2(NFIB):c.743C>T (p.Pro248Leu)

Gene: NFIB (nuclear factor I B; minus strand). Cytogenetic location: 9p23.
Variant type: single nucleotide variant.
Coding change: c.743C>T on transcript NM_001190737.2 (MANE Select); coding-DNA position 743, C replaced by T.
Protein change: p.Pro248Leu; replaces proline 248 with leucine.
Molecular consequence: missense variant. On other transcripts: 5 prime UTR variant (1), non-coding transcript variant (4).
Genome position (GRCh38, 1-based): chr9:14,150,208, G>A on the plus strand (C>T on the coding strand, the complement: NFIB is on the minus strand). VCF-style: chr9-14150208-G-A. GRCh37 (hg19) VCF-style: chr9-14150207-G-A.
Other names: c.821C>T, p.Pro274Leu (NM_001190738.2); c.-14C>T (NM_001282787.2); c.809C>T, p.Pro270Leu (NM_001369458.1, NM_001369459.1, NM_001369462.1 and 1 more transcripts); c.731C>T, p.Pro244Leu (NM_001369460.1, NM_001369463.1, NM_001369466.1 and 2 more transcripts); c.743C>T, p.Pro248Leu (NM_001369461.1, NM_001369464.1, NM_001369471.1 and 2 more transcripts); c.716C>T, p.Pro239Leu (NM_001369465.1, NM_001369467.1, NM_001369476.1); c.599C>T, p.Pro200Leu (NM_001369469.1); c.506C>T, p.Pro169Leu (NM_001369470.1, NM_001369478.1); and 4 more; short protein forms P169L, P173L, P200L, P230L, P239L, P243L, P244L, P248L.
Identifiers: ClinVar variation 3364407 (VCV003364407.1).